The following is an entry in ClinVar:

ClinVar aggregate classification (germline): Conflicting classifications of pathogenicity. Review status: criteria provided, conflicting classifications (1 of 4 stars). 4 submissions from 4 submitters: Uncertain significance (1); Benign (1); Likely benign (2). Last evaluated 2025-08-20.

Conditions:
Peutz-Jeghers syndrome (PJS). Also called: POLYPOSIS, HAMARTOMATOUS INTESTINAL; POLYPS-AND-SPOTS SYNDROME; Peutz-Jeghers polyposis; Periorificial lentiginosis syndrome. Identifiers: Orphanet 2869, MedGen C0031269, MeSH D010580, MONDO:0008280, OMIM 175200.
Hereditary cancer-predisposing syndrome. Also called: Hereditary neoplastic syndrome; Neoplastic Syndromes, Hereditary; Tumor predisposition; Hereditary Cancer Syndrome. Identifiers: Orphanet 140162, MedGen C0027672, MeSH D009386, MONDO:0015356.

Allele frequency attached by ClinVar (database versions not stated): gnomAD exomes below 0.00001; TOPMed 0.00001.
gnomAD v4.1: 1 of 1,535,252 alleles (0.000065%); highest among the groups gnomAD compares: Non-Finnish European, 0.000088%; no homozygotes.

Submissions (4):

Labcorp Genetics (formerly Invitae), Labcorp
Classification: Likely benign for Peutz-Jeghers syndrome. Last evaluated: 2025-08-20. Review status: criteria provided, single submitter. Criteria: Invitae Variant Classification Sherloc (09022015). Collection method: clinical testing. Allele origin: germline.

Color Diagnostics, LLC DBA Color Health
Classification: Uncertain significance for Hereditary cancer-predisposing syndrome. Last evaluated: 2025-06-17. Review status: criteria provided, single submitter. Criteria: ACMG Guidelines, 2015. Collection method: clinical testing. Allele origin: germline.
Comment: This variant is located in the STK11 protein. To our knowledge, functional studies have not been reported for this variant. This variant has not been reported in individuals affected with STK11-related disorders in the literature. This variant has not been identified in the general population by the Genome Aggregation Database (gnomAD). The available evidence is insufficient to determine the role of this variant in disease conclusively. Therefore, this variant is classified as a Variant of Uncertain Significance.

Myriad Genetics, Inc.
Classification: Benign for Peutz-Jeghers syndrome. Last evaluated: 2025-03-31. Review status: criteria provided, single submitter. Criteria: Myriad Autosomal Dominant, Autosomal Recessive and X-Linked Classification Criteria (2023). Collection method: clinical testing. Allele origin: unknown.
Comment: This variant is considered benign. This variant is a silent/synonymous amino acid change and it is not expected to impact splicing.

Ambry Genetics
Classification: Likely benign for Hereditary cancer-predisposing syndrome. Last evaluated: 2023-10-23. Review status: criteria provided, single submitter. Criteria: Ambry Variant Classification Scheme 2023. Collection method: clinical testing. Allele origin: germline.

NM_000455.5(STK11):c.1293G>A (p.Lys431=)

Gene: STK11 (serine/threonine kinase 11; plus strand). Cytogenetic location: 19p13.3.
Variant type: single nucleotide variant.
Coding change: c.1293G>A on transcript NM_000455.5 (MANE Select); coding-DNA position 1293, G replaced by A.
Protein change: p.Lys431=; no amino-acid change (lysine 431 retained).
Molecular consequence: synonymous variant.
Genome position (GRCh38, 1-based): chr19:1,226,638, G>A. VCF-style: chr19-1226638-G-A. GRCh37 (hg19) VCF-style: chr19-1226637-G-A.
Identifiers: ClinVar variation 412553 (VCV000412553.15), dbSNP rs1060503787, ClinGen allele CA16616046.